The following is an entry in ClinVar:

ClinVar aggregate classification (germline): Uncertain significance. Review status: criteria provided, multiple submitters, no conflicts (2 of 4 stars). 3 submissions from 3 submitters: Uncertain significance (3). Last evaluated 2026-08-02.

Conditions:
AHI1-related disorder. Also called: AHI1-related condition.
Joubert syndrome. Also called: JOUBERT-BOLTSHAUSER SYNDROME; Familial aplasia of the vermis. Identifiers: Orphanet 475, MedGen C5979921, MONDO:0018772.
Inborn genetic diseases. Identifiers: MedGen C0950123, MeSH D030342.

Allele frequency attached by ClinVar (database versions not stated): gnomAD exomes below 0.00001; gnomAD 0.00002; TOPMed 0.00005.
gnomAD v4.1: 7 of 1,613,714 alleles (0.00043%); highest among the groups gnomAD compares: Admixed American, 0.0033%; no homozygotes.

Submissions (3):

PreventionGenetics, part of Exact Sciences
Classification: Uncertain significance for AHI1-related condition. Last evaluated: 2026-08-02. Review status: criteria provided, single submitter. Criteria: ACMG Guidelines, 2015. Collection method: clinical testing. Allele origin: germline.
Comment: The AHI1 c.499C>A variant is predicted to result in the amino acid substitution p.His167Asn. To our knowledge, this variant has not been reported in the literature or in a large population database (gnomAD), indicating this variant is rare. At this time, the clinical significance of this variant is uncertain due to the absence of conclusive functional and genetic evidence.

Labcorp Genetics (formerly Invitae), Labcorp
Classification: Uncertain significance for Joubert syndrome. Last evaluated: 2022-07-06. Review status: criteria provided, single submitter. Criteria: Invitae Variant Classification Sherloc (09022015). Collection method: clinical testing. Allele origin: germline.
Comment: This sequence change replaces histidine, which is basic and polar, with asparagine, which is neutral and polar, at codon 167 of the AHI1 protein (p.His167Asn). This variant is not present in population databases (gnomAD no frequency). This variant has not been reported in the literature in individuals affected with AHI1-related conditions. Advanced modeling of protein sequence and biophysical properties (such as structural, functional, and spatial information, amino acid conservation, physicochemical variation, residue mobility, and thermodynamic stability) performed at Invitae indicates that this missense variant is not expected to disrupt AHI1 protein function. In summary, the available evidence is currently insufficient to determine the role of this variant in disease. Therefore, it has been classified as a Variant of Uncertain Significance.

Ambry Genetics
Classification: Uncertain significance for Inborn genetic diseases. Last evaluated: 2021-10-12. Review status: criteria provided, single submitter. Criteria: Ambry Variant Classification Scheme 2023. Collection method: clinical testing. Allele origin: germline.

NM_001134831.2(AHI1):c.499C>A (p.His167Asn)

Gene: AHI1 (Abelson helper integration site 1; minus strand). Cytogenetic location: 6q23.3.
Variant type: single nucleotide variant.
Coding change: c.499C>A on transcript NM_001134831.2 (MANE Select); coding-DNA position 499, C replaced by A.
Protein change: p.His167Asn; replaces histidine 167 with asparagine.
Molecular consequence: missense variant.
Genome position (GRCh38, 1-based): chr6:135,466,064, G>T on the plus strand (C>A on the coding strand, the complement: AHI1 is on the minus strand). VCF-style: chr6-135466064-G-T. GRCh37 (hg19) VCF-style: chr6-135787202-G-T.
Other names: c.499C>A (NM_017651.4); c.499C>A, p.His167Asn (NM_001134830.2, NM_001134832.2, NM_001350503.2 and 2 more transcripts); short protein forms H167N.
Identifiers: ClinVar variation 2188886 (VCV002188886.3), dbSNP rs1790696533, ClinGen allele CA365751537.